The following is an entry in ClinVar:

ClinVar aggregate classification (germline): Likely benign. Review status: criteria provided, multiple submitters, no conflicts (2 of 4 stars). 2 submissions from 2 submitters: Likely benign (2). Last evaluated 2026-05-12.

Conditions:
RP1-related disorder. Also called: RP1-related condition.

Allele frequency attached by ClinVar (database versions not stated): gnomAD 0.00001; gnomAD exomes 0.00001 and 0.00003; ExAC 0.00002; TOPMed 0.00002.
gnomAD v4.1: 11 of 1,614,054 alleles (0.00068%); highest among the groups gnomAD compares: Admixed American, 0.017%; no homozygotes.

Submissions (2):

PreventionGenetics, part of Exact Sciences
Classification: Likely benign for RP1-related condition. Last evaluated: 2026-05-12. Review status: criteria provided, single submitter. Criteria: ACMG Guidelines, 2015. Collection method: clinical testing. Allele origin: germline.
Comment: This variant is classified as likely benign based on ACMG/AMP sequence variant interpretation guidelines (Richards et al. 2015 PMID: 25741868, with internal and published modifications).

Labcorp Genetics (formerly Invitae), Labcorp
Classification: Likely benign. Last evaluated: 2023-02-16. Review status: criteria provided, single submitter. Criteria: Invitae Variant Classification Sherloc (09022015). Collection method: clinical testing. Allele origin: germline.

NM_006269.2(RP1):c.666A>C (p.Ala222=)

Gene: RP1 (RP1 axonemal microtubule associated; plus strand). Cytogenetic location: 8q12.1.
Variant type: single nucleotide variant.
Coding change: c.666A>C on transcript NM_006269.2 (MANE Select); coding-DNA position 666, A replaced by C.
Protein change: p.Ala222=; no amino-acid change (alanine 222 retained).
Molecular consequence: synonymous variant.
Genome position (GRCh38, 1-based): chr8:54,622,167, A>C. VCF-style: chr8-54622167-A-C. GRCh37 (hg19) VCF-style: chr8-55534727-A-C.
Other names: c.666A>C, p.Ala222= (NM_001375654.1); c.666A>C (NM_006269.1).
Identifiers: ClinVar variation 1652211 (VCV001652211.9), dbSNP rs750540431, ClinGen allele CA4751243.